The following is an entry in ClinVar:

NM_024580.6(EFL1):c.1106T>C (p.Ile369Thr)

Gene: EFL1 (elongation factor like GTPase 1; minus strand). Cytogenetic location: 15q25.2.
Variant type: single nucleotide variant.
Coding change: c.1106T>C on transcript NM_024580.6 (MANE Select); coding-DNA position 1106, T replaced by C.
Protein change: p.Ile369Thr; replaces isoleucine 369 with threonine.
Molecular consequence: missense variant. On other transcripts: non-coding transcript variant (1).
Genome position (GRCh38, 1-based): chr15:82,227,536, A>G on the plus strand (T>C on the coding strand, the complement: EFL1 is on the minus strand). VCF-style: chr15-82227536-A-G. GRCh37 (hg19) VCF-style: chr15-82519877-A-G.
Other names: c.953T>C, p.Ile318Thr (NM_001040610.3); c.317T>C, p.Ile106Thr (NM_001322844.2); c.1106T>C, p.Ile369Thr (NM_001322845.2); short protein forms I318T, I106T, I369T.
Identifiers: ClinVar variation 1480837 (VCV001480837.5), dbSNP rs1190961719, ClinGen allele CA393277157.

ClinVar aggregate classification (germline): Uncertain significance (1 of 4 stars; one submission).

Allele frequency attached by ClinVar (database versions not stated): gnomAD exomes below 0.00001; TOPMed below 0.00001.
gnomAD v4.1: 5 of 1,614,174 alleles (0.00031%); highest among the groups gnomAD compares: Non-Finnish European, 0.00042%; no homozygotes.

Submission:

Labcorp Genetics (formerly Invitae), Labcorp
Classification: Uncertain significance. Last evaluated: 2022-02-20. Review status: criteria provided, single submitter. Criteria: Invitae Variant Classification Sherloc (09022015). Collection method: clinical testing. Allele origin: germline.
Comment: In summary, the available evidence is currently insufficient to determine the role of this variant in disease. Therefore, it has been classified as a Variant of Uncertain Significance. Algorithms developed to predict the effect of missense changes on protein structure and function (SIFT, PolyPhen-2, Align-GVGD) all suggest that this variant is likely to be tolerated. This variant has not been reported in the literature in individuals affected with EFL1-related conditions. This variant is not present in population databases (gnomAD no frequency). This sequence change replaces isoleucine, which is neutral and non-polar, with threonine, which is neutral and polar, at codon 369 of the EFL1 protein (p.Ile369Thr).